The following is an entry in ClinVar:

NM_005045.4(RELN):c.1711A>G (p.Met571Val)

Gene: RELN (reelin; minus strand). Cytogenetic location: 7q22.1.
Variant type: single nucleotide variant.
Coding change: c.1711A>G on transcript NM_005045.4 (MANE Select); coding-DNA position 1711, A replaced by G.
Protein change: p.Met571Val; replaces methionine 571 with valine.
Molecular consequence: missense variant.
Genome position (GRCh38, 1-based): chr7:103,652,603, T>C on the plus strand (A>G on the coding strand, the complement: RELN is on the minus strand). VCF-style: chr7-103652603-T-C. GRCh37 (hg19) VCF-style: chr7-103293050-T-C.
Other names: c.1711A>G (NM_005045.3); c.1711A>G, p.Met571Val (NM_173054.3); short protein forms M571V.
Identifiers: ClinVar variation 1406640 (VCV001406640.7), dbSNP rs2117391388, ClinGen allele CA368765450.

ClinVar aggregate classification (germline): Uncertain significance. Review status: criteria provided, multiple submitters, no conflicts (2 of 4 stars). 2 submissions from 2 submitters: Uncertain significance (2). Last evaluated 2024-07-10.

Conditions:
Norman-Roberts syndrome (LIS2). Also called: Lissencephaly 2 (Norman-Roberts type). Identifiers: Orphanet 89844, MedGen C0796089, MONDO:0009760, OMIM 257320.
Familial temporal lobe epilepsy 7. Identifiers: Orphanet 101046, MedGen C4225327, MONDO:0014639, OMIM 616436.
Inborn genetic diseases. Identifiers: MedGen C0950123, MeSH D030342.

Allele frequency attached by ClinVar (database versions not stated): gnomAD exomes below 0.00001.
gnomAD v4.1: 1 of 1,612,930 alleles (0.000062%); highest among the groups gnomAD compares: Non-Finnish European, 0.000085%; no homozygotes.

Submissions (2):

Ambry Genetics
Classification: Uncertain significance for Inborn genetic diseases. Last evaluated: 2024-07-10. Review status: criteria provided, single submitter. Criteria: Ambry Variant Classification Scheme 2023. Collection method: clinical testing. Allele origin: germline.

Labcorp Genetics (formerly Invitae), Labcorp
Classification: Uncertain significance for Familial temporal lobe epilepsy 7; Norman-Roberts syndrome. Last evaluated: 2023-11-07. Review status: criteria provided, single submitter. Criteria: Invitae Variant Classification Sherloc (09022015). Collection method: clinical testing. Allele origin: germline.
Comment: This sequence change replaces methionine, which is neutral and non-polar, with valine, which is neutral and non-polar, at codon 571 of the RELN protein (p.Met571Val). This variant is not present in population databases (gnomAD no frequency). This variant has not been reported in the literature in individuals affected with RELN-related conditions. ClinVar contains an entry for this variant (Variation ID: 1406640). Advanced modeling of protein sequence and biophysical properties (such as structural, functional, and spatial information, amino acid conservation, physicochemical variation, residue mobility, and thermodynamic stability) performed at Invitae indicates that this missense variant is not expected to disrupt RELN protein function with a negative predictive value of 80%. In summary, the available evidence is currently insufficient to determine the role of this variant in disease. Therefore, it has been classified as a Variant of Uncertain Significance.